The following is an entry in ClinVar:

ClinVar aggregate classification (germline): Pathogenic (1 of 4 stars; one submission).

Allele frequency attached by ClinVar (database versions not stated): TOPMed below 0.00001.

Submission:

Labcorp Genetics (formerly Invitae), Labcorp
Classification: Pathogenic. Last evaluated: 2023-08-31. Review status: criteria provided, single submitter. Criteria: Invitae Variant Classification Sherloc (09022015). Collection method: clinical testing. Allele origin: germline.
Comment: This variant is not present in population databases (gnomAD no frequency). This sequence change creates a premature translational stop signal (p.Gln1712*) in the CCDC88C gene. While this is not anticipated to result in nonsense mediated decay, it is expected to disrupt the last 317 amino acid(s) of the CCDC88C protein. This variant has not been reported in the literature in individuals affected with CCDC88C-related conditions. For these reasons, this variant has been classified as Pathogenic. This variant disrupts a region of the CCDC88C protein in which other variant(s) (p.Glu1949Glyfs*26) have been determined to be pathogenic (PMID: 23042809). This suggests that this is a clinically significant region of the protein, and that variants that disrupt it are likely to be disease-causing.

Literature cited by the submitters: PubMed 23042809.

NM_001080414.4(CCDC88C):c.5134C>T (p.Gln1712Ter)

Gene: CCDC88C (coiled-coil and HOOK domain protein 88C; minus strand). Cytogenetic location: 14q32.11.
Variant type: single nucleotide variant.
Coding change: c.5134C>T on transcript NM_001080414.4 (MANE Select); coding-DNA position 5134, C replaced by T.
Protein change: p.Gln1712Ter; replaces glutamine 1712 with a stop codon.
Molecular consequence: nonsense.
Genome position (GRCh38, 1-based): chr14:91,273,578, G>A on the plus strand (C>T on the coding strand, the complement: CCDC88C is on the minus strand). VCF-style: chr14-91273578-G-A. GRCh37 (hg19) VCF-style: chr14-91739922-G-A.
Other names: short protein forms Q1712*.
Identifiers: ClinVar variation 2756944 (VCV002756944.3), dbSNP rs1222992251, ClinGen allele CA390610807.